The following is an entry in ClinVar:

ClinVar aggregate classification (germline): Uncertain significance (1 of 4 stars; one submission).

Submission:

Labcorp Genetics (formerly Invitae), Labcorp
Classification: Uncertain significance. Last evaluated: 2021-02-08. Review status: criteria provided, single submitter. Criteria: Invitae Variant Classification Sherloc (09022015). Collection method: clinical testing. Allele origin: germline.
Comment: In summary, the available evidence is currently insufficient to determine the role of this variant in disease. Therefore, it has been classified as a Variant of Uncertain Significance. Algorithms developed to predict the effect of missense changes on protein structure and function are either unavailable or do not agree on the potential impact of this missense change (SIFT: "Not Available"; PolyPhen-2: "Not Available"; Align-GVGD: "Class C0"). This variant has not been reported in the literature in individuals with PDZD7-related conditions. This variant is not present in population databases (ExAC no frequency). This sequence change replaces arginine with proline at codon 485 of the PDZD7 protein (p.Arg485Pro). The arginine residue is weakly conserved and there is a moderate physicochemical difference between arginine and proline.

NM_001195263.2(PDZD7):c.1454G>C (p.Arg485Pro)

Gene: PDZD7 (PDZ domain containing 7; minus strand). Cytogenetic location: 10q24.31.
Variant type: single nucleotide variant.
Coding change: c.1454G>C on transcript NM_001195263.2 (MANE Select); coding-DNA position 1454, G replaced by C.
Protein change: p.Arg485Pro; replaces arginine 485 with proline.
Molecular consequence: missense variant. On other transcripts: synonymous variant (1).
Genome position (GRCh38, 1-based): chr10:101,018,167, C>G on the plus strand (G>C on the coding strand, the complement: PDZD7 is on the minus strand). VCF-style: chr10-101018167-C-G. GRCh37 (hg19) VCF-style: chr10-102777924-C-G.
Other names: c.1482G>C, p.Ala494= (NM_001351044.2); c.1454G>C, p.Arg485Pro (NM_024895.5); short protein forms R485P.
Identifiers: ClinVar variation 836959 (VCV000836959.8), dbSNP rs1429333599, ClinGen allele CA378228022.